The following is an entry in ClinVar:

ClinVar aggregate classification (germline): Uncertain significance (1 of 4 stars; one submission).

gnomAD v4.1: 1 of 1,614,182 alleles (0.000062%); highest among the groups gnomAD compares: Non-Finnish European, 0.000085%; no homozygotes.

Submission:

Labcorp Genetics (formerly Invitae), Labcorp
Classification: Uncertain significance. Last evaluated: 2024-04-24. Review status: criteria provided, single submitter. Criteria: Invitae Variant Classification Sherloc (09022015). Collection method: clinical testing. Allele origin: germline.
Comment: This sequence change replaces cysteine, which is neutral and slightly polar, with tyrosine, which is neutral and polar, at codon 410 of the PPP2R5D protein (p.Cys410Tyr). This variant is not present in population databases (gnomAD no frequency). This variant has not been reported in the literature in individuals affected with PPP2R5D-related conditions. An algorithm developed to predict the effect of missense changes on protein structure and function (PolyPhen-2) suggests that this variant is likely to be disruptive. Algorithms developed to predict the effect of sequence changes on RNA splicing suggest that this variant may create or strengthen a splice site. In summary, the available evidence is currently insufficient to determine the role of this variant in disease. Therefore, it has been classified as a Variant of Uncertain Significance.

NM_006245.4(PPP2R5D):c.1229G>A (p.Cys410Tyr)

Gene: PPP2R5D (protein phosphatase 2 regulatory subunit B'delta; plus strand). Cytogenetic location: 6p21.1.
Variant type: single nucleotide variant.
Coding change: c.1229G>A on transcript NM_006245.4 (MANE Select); coding-DNA position 1229, G replaced by A.
Protein change: p.Cys410Tyr; replaces cysteine 410 with tyrosine.
Molecular consequence: missense variant.
Genome position (GRCh38, 1-based): chr6:43,009,205, G>A. VCF-style: chr6-43009205-G-A. GRCh37 (hg19) VCF-style: chr6-42976943-G-A.
Other names: c.776G>A, p.Cys259Tyr (NM_001270476.2); c.1133G>A, p.Cys378Tyr (NM_180976.3); c.911G>A, p.Cys304Tyr (NM_180977.3); short protein forms C304Y, C259Y, C410Y, C378Y.
Identifiers: ClinVar variation 3650345 (VCV003650345.2).
Genomic context (GRCh38, chr6:43,009,205, plus strand): 5'-TCATTGAACCTTCTGAGTTCAGCAAAGTGATGGAACCCCTCTTCCGCCAGCTGGCCAAGT[G>A]TGTCTCTAGCCCCCATTTCCAGGTGAGACTCCAACCTAGCATATCCTAGCCCCTGCCAGA-3'
Protein context (NP_006236.1, residues 400-420): MEPLFRQLAK[Cys410Tyr]VSSPHFQVAE